The following is an entry in ClinVar:

NM_013275.6(ANKRD11):c.7780G>A (p.Val2594Met)

Gene: ANKRD11 (ankyrin repeat domain containing 11; minus strand). Cytogenetic location: 16q24.3.
Variant type: single nucleotide variant.
Coding change: c.7780G>A on transcript NM_013275.6 (MANE Select); coding-DNA position 7780, G replaced by A.
Protein change: p.Val2594Met; replaces valine 2594 with methionine.
Molecular consequence: missense variant.
Genome position (GRCh38, 1-based): chr16:89,270,843, C>T on the plus strand (G>A on the coding strand, the complement: ANKRD11 is on the minus strand). VCF-style: chr16-89270843-C-T. GRCh37 (hg19) VCF-style: chr16-89337251-C-T.
Other names: c.7780G>A, p.Val2594Met (NM_001256182.2, NM_001256183.2); short protein forms V2594M.
Identifiers: ClinVar variation 1810113 (VCV001810113.1), dbSNP rs2033086331, ClinGen allele CA397146430.

ClinVar aggregate classification (germline): Uncertain significance (1 of 4 stars; one submission).

Allele frequency attached by ClinVar (database versions not stated): TOPMed below 0.00001.

Submission:

GeneDx
Classification: Uncertain significance. Last evaluated: 2022-06-23. Review status: criteria provided, single submitter. Criteria: GeneDx Variant Classification Process June 2021. Collection method: clinical testing. Allele origin: germline. Affected: yes.
Comment: Not observed at significant frequency in large population cohorts (gnomAD); In silico analysis supports that this missense variant has a deleterious effect on protein structure/function; Has not been previously published as pathogenic or benign to our knowledge